The following is an entry in ClinVar:

ClinVar aggregate classification (germline): Benign. Review status: criteria provided, multiple submitters, no conflicts (2 of 4 stars). 7 submissions from 6 submitters: Benign (7). Last evaluated 2026-01-27.

Conditions:
Frontonasal dysplasia with alopecia and genital anomaly. Identifiers: Orphanet 228390, MedGen C3150703, MONDO:0013268, OMIM 613451.
Parietal foramina 2 (PFM2). Identifiers: Orphanet 60015, MedGen C1865044, MONDO:0012309, OMIM 609597.

Allele frequency attached by ClinVar (database versions not stated): 1000 Genomes Project 30x 0.07714; gnomAD exomes 0.07998 and 0.08777; 1000 Genomes Project 0.08007; TOPMed 0.08092; ExAC 0.08313; gnomAD 0.08417 and 0.08466; ESP Exome Variant Server 0.09336.

Submissions (7):

Labcorp Genetics (formerly Invitae), Labcorp
Classification: Benign. Last evaluated: 2026-01-27. Review status: criteria provided, single submitter. Criteria: Invitae Variant Classification Sherloc (09022015). Collection method: clinical testing. Allele origin: germline.

Blueprint Genetics
Classification: Benign. Last evaluated: 2024-11-27. Review status: criteria provided, single submitter. Criteria: ACMG Guidelines, 2015. Collection method: clinical testing. Allele origin: germline.

Genome-Nilou Lab
Classification: Benign for Frontonasal dysplasia with alopecia and genital anomaly. Last evaluated: 2021-07-14. Review status: criteria provided, single submitter. Criteria: ACMG Guidelines, 2015. Collection method: clinical testing. Allele origin: germline. Affected: no.

Genome-Nilou Lab
Classification: Benign for Parietal foramina 2. Last evaluated: 2021-07-14. Review status: criteria provided, single submitter. Criteria: ACMG Guidelines, 2015. Collection method: clinical testing. Allele origin: germline. Affected: no.

GeneDx
Classification: Benign. Last evaluated: 2018-11-10. Review status: criteria provided, single submitter. Criteria: GeneDx Variant Classification Process June 2021. Collection method: clinical testing. Allele origin: germline. Affected: yes.

Illumina Laboratory Services, Illumina
Classification: Benign for Parietal foramina 2. Last evaluated: 2018-01-12. Review status: criteria provided, single submitter. Criteria: ICSL Variant Classification Criteria 13 December 2019. Collection method: clinical testing. Allele origin: germline.
Comment: This variant was observed in the ICSL laboratory as part of a predisposition screen in an ostensibly healthy population. It had not been previously curated by ICSL or reported in the Human Gene Mutation Database (HGMD: prior to June 1st, 2018), and was therefore a candidate for classification through an automated scoring system. Utilizing variant allele frequency, disease prevalence and penetrance estimates, and inheritance mode, an automated score was calculated to assess if this variant is too frequent to cause the disease. Based on the score and internal cut-off values, a variant classified as benign is not then subjected to further curation. The score for this variant resulted in a classification of benign for this disease.

Breakthrough Genomics
Classification: Benign. Review status: criteria provided, single submitter. Criteria: ACMG Guidelines, 2015. Collection method: not provided. Allele origin: germline. Inheritance: Autosomal recessive inheritance. Affected: yes.

NM_021926.4(ALX4):c.778-11G>A

Gene: ALX4 (ALX homeobox 4; minus strand). Cytogenetic location: 11p11.2.
Variant type: single nucleotide variant.
Coding change: c.778-11G>A on transcript NM_021926.4 (MANE Select); 11 bases into the intron before coding-DNA position 778, G replaced by A.
Molecular consequence: intron variant.
Genome position (GRCh38, 1-based): chr11:44,267,633, C>T on the plus strand (G>A on the coding strand, the complement: ALX4 is on the minus strand). VCF-style: chr11-44267633-C-T. GRCh37 (hg19) VCF-style: chr11-44289183-C-T.
Other names: c.778-11G>A (LRG_1256t1).
Identifiers: ClinVar variation 304703 (VCV000304703.21), dbSNP rs75147697, ClinGen allele CA5955635.